The following is an entry in ClinVar:

ClinVar aggregate classification (germline): Uncertain significance (1 of 4 stars; one submission).

Submission:

GeneDx
Classification: Uncertain significance. Last evaluated: 2019-10-28. Review status: criteria provided, single submitter. Criteria: GeneDx Variant Classification Process June 2021. Collection method: clinical testing. Allele origin: germline. Affected: yes.
Comment: Not observed in large population cohorts (Lek et al., 2016); Nonsense variant predicted to result in protein truncation or nonsense mediated decay in a gene for which loss-of-function is not a known mechanism of disease; Has not been previously published as pathogenic or benign to our knowledge; Variants in candidate genes are classified as variants of uncertain significance in accordance with ACMG guidelines (Richards et al., 2015)

NM_004973.4(JARID2):c.1795_1796insA (p.Cys599Ter)

Gene: JARID2 (jumonji and AT-rich interaction domain containing 2; plus strand). Cytogenetic location: 6p22.3.
Variant type: Insertion.
Coding change: c.1795_1796insA on transcript NM_004973.4 (MANE Select); coding-DNA positions 1795 to 1796, A inserted.
Protein change: p.Cys599Ter; replaces cysteine 599 with a stop codon.
Molecular consequence: nonsense.
Genome position: GRCh38 VCF-style: chr6-15497020-T-TA. GRCh37 (hg19) VCF-style: chr6-15497251-T-TA.
Other names: c.1279_1280insA, p.Cys427Ter (NM_001267040.1); short protein forms C427*, C599*.
Identifiers: ClinVar variation 1309641 (VCV001309641.2), dbSNP rs2127736048, ClinGen allele CA2573052624.